The following is an entry in ClinVar:

ClinVar aggregate classification (germline): Conflicting classifications of pathogenicity. Review status: criteria provided, conflicting classifications (1 of 4 stars). 2 submissions from 2 submitters: Likely pathogenic (1); Uncertain significance (1). Last evaluated 2024-01-03.

Conditions:
Noonan syndrome 3 (NS3). Also called: KRAS-Related Noonan Syndrome. Identifiers: Orphanet 648, MedGen C1860991, MONDO:0012371, OMIM 609942.
Autoimmune lymphoproliferative syndrome type 4. Also called: AUTOIMMUNE LYMPHOPROLIFERATIVE SYNDROME, TYPE IV; RAS-associated autoimmune leukoproliferative disorder. Identifiers: Orphanet 268114, MedGen C2674723, MONDO:0013767, OMIM 614470.
Linear nevus sebaceous syndrome. Also called: JADASSOHN NEVUS PHAKOMATOSIS; NEVUS SEBACEUS OF JADASSOHN; ORGANOID NEVUS PHAKOMATOSIS; SFM SYNDROME; Nevus, Sebaceous of Jadassohn; SCHIMMELPENNING-FEUERSTEIN-MIMS SYNDROME, SOMATIC MOSAIC. Identifiers: Orphanet 2612, MedGen C4552097, MONDO:0008097, OMIM 163200, HP:0010817.
Cerebral arteriovenous malformation (BAVM). Also called: Arteriovenous malformations of the brain; CEREBRAL ARTERIOVENOUS MALFORMATIONS. Identifiers: Orphanet 46724, MedGen C0917804, MONDO:0007154, OMIM 108010, HP:0002408.
Toriello-Lacassie-Droste syndrome. Identifiers: Orphanet 3339, MedGen C1838329, MONDO:0010854, OMIM 600268.
Malignant tumor of urinary bladder. Also called: Bladder cancer; Urinary Bladder Neoplasms; Urinary bladder cancer. Identifiers: MedGen C0005684, MONDO:0001187, OMIM 109800.
Lung cancer. Also called: Lung cancer, somatic; Malignant tumor of lung. Identifiers: MedGen C0242379, MONDO:0008903, OMIM 211980.
Cardiofaciocutaneous syndrome 2 (CFC2). Also called: KRAS-Related Cardiofaciocutaneous Syndrome. Identifiers: Orphanet 1340, MedGen C3809005, MONDO:0014112, OMIM 615278.
Familial pancreatic carcinoma. Identifiers: Orphanet 1333, MedGen C2931038, MONDO:0015278, OMIM 260350.
Familial cancer of breast. Also called: hereditary breast carcinoma; BREAST CANCER, FAMILIAL; Hereditary breast cancer. Identifiers: Orphanet 227535, MedGen C0346153, MONDO:0016419, OMIM 114480. Disease mechanism: loss of function.
Acute myeloid leukemia (AML). Also called: Acute myeloid leukemia, adult; AML adult; Acute non-lymphocytic leukemia; Acute granulocytic leukemia; Leukemia, acute myeloid, somatic; Leukemia, acute myelogenous, somatic. Identifiers: Orphanet 519, MedGen C0023467, MeSH D015470, MONDO:0018874, OMIM 601626, HP:0004808. Disease mechanism: Constitutively activated FLT3.
Gastric cancer. Also called: Stomach cancer; Malignant tumor of stomach. Identifiers: MedGen C0024623, MeSH D013274, MONDO:0001056, OMIM 613659, HP:0012126.
RASopathy. Also called: rasopathies; Noonan spectrum disorder. Identifiers: Orphanet 536391, MedGen C5555857, MONDO:0021060.

Submissions (2):

Fulgent Genetics
Classification: Uncertain significance for Cerebral arteriovenous malformation; Malignant tumor of urinary bladder; Familial cancer of breast; Linear nevus sebaceous syndrome; Lung cancer; Familial pancreatic carcinoma; Toriello-Lacassie-Droste syndrome; Acute myeloid leukemia; Noonan syndrome 3; Gastric cancer; Autoimmune lymphoproliferative syndrome type 4; Cardiofaciocutaneous syndrome 2. Last evaluated: 2024-01-03. Review status: criteria provided, single submitter. Criteria: ACMG Guidelines, 2015. Collection method: clinical testing. Allele origin: germline.

GeneDx
Classification: Likely pathogenic for Rasopathy. Last evaluated: 2012-10-18. Review status: criteria provided, single submitter. Criteria: GeneDx Variant Classification (06012015). Collection method: clinical testing. Allele origin: germline. Affected: yes.
Comment: A variant of unknown significance has been identified. The c.187_189delGAG in-frame deletion has been published as a presumed somatic mutation in a colorectal carcinoma (Ahlquist et al., 2008). The position at which this substitution occurs is highly conserved across species. Two missense mutations in neighboring codons (T58I and G60R) have been reported in association with Noonan syndrome and Cardio-Facio-Cutaneous syndrome respectively (Schubbert et al., 2006 and Niihori et al., 2006). The typical disease-causing mutation in the KRAS gene associated with germline syndromes are missense gain-of-function mutations. It is unknown if this in-frame deletion would result in gain-of-function activity.The variant is found in NOONAN panel(s).

NM_004985.5(KRAS):c.184GAG[1] (p.Glu63del)

Gene: KRAS (KRas proto-oncogene, GTPase; minus strand). Cytogenetic location: 12p12.1.
Variant type: Microsatellite.
Coding change: c.184GAG[1] on transcript NM_004985.5 (MANE Select); one copy of the 3-base unit GAG starting at c.184; the reference has two copies in a row; one copy, 3 bases deleted; also written c.187_189del.
Protein change: p.Glu63del; deletes glutamic acid 63.
Molecular consequence: inframe deletion.
Genome position (GRCh38, 1-based): chr12:25,227,335-25,227,337, CTC deleted on the plus strand (GAG on the coding strand, the reverse complement: KRAS is on the minus strand); deleting any 3 consecutive bases within chr12:25,227,335-25,227,340 gives the same sequence; the position shown is the placement nearest the transcript's 3' end. VCF-style (leftmost placement, unchanged base first): chr12-25227334-ACTC-A. GRCh37 (hg19) VCF-style: chr12-25380268-ACTC-A.
Other names: c.184GAG[1], p.Glu63del (NM_001369786.1, NM_001369787.1, NM_033360.4); c.187_189del (NM_004985.5); short protein forms E63del.
Identifiers: ClinVar variation 180857 (VCV000180857.2), dbSNP rs730880469, ClinGen allele CA296078.
Genomic context (GRCh38, chr12:25,227,334, plus strand): 5'-TGGCAAATACACAAAGAAAGCCCTCCCCAGTCCTCATGTACTGGTCCCTCATTGCACTGT[ACTC>A]CTCTTGACCTGCTGTGTCGAGAATATCCAAGAGACAGGTTTCTCCATCAATTACTACTTG-3'